The following is an entry in ClinVar:

NM_000038.6(APC):c.5867T>C (p.Ile1956Thr)

Gene: APC (APC regulator of Wnt signaling pathway; plus strand). Cytogenetic location: 5q22.2.
Variant type: single nucleotide variant.
Coding change: c.5867T>C on transcript NM_000038.6 (MANE Select); coding-DNA position 5867, T replaced by C.
Protein change: p.Ile1956Thr; replaces isoleucine 1956 with threonine.
Molecular consequence: missense variant.
Genome position (GRCh38, 1-based): chr5:112,841,461, T>C. VCF-style: chr5-112841461-T-C. GRCh37 (hg19) VCF-style: chr5-112177158-T-C.
Other names: c.5867T>C, p.Ile1956Thr (NM_001127510.3, NM_001354895.2, NM_001407450.1); c.5813T>C, p.Ile1938Thr (NM_001127511.3); c.5921T>C, p.Ile1974Thr (NM_001354896.2, NM_001407447.1, NM_001407448.1 and 1 more transcripts); c.5897T>C, p.Ile1966Thr (NM_001354897.2); c.5792T>C, p.Ile1931Thr (NM_001354898.2); c.5783T>C, p.Ile1928Thr (NM_001354899.2); c.5744T>C, p.Ile1915Thr (NM_001354900.2); c.5690T>C, p.Ile1897Thr (NM_001354901.2, NM_001407453.1); and 11 more; short protein forms I1572T, I1830T, I1873T, I1897T, I1915T, I1966T, I1855T, I1865T.
Identifiers: ClinVar variation 1750170 (VCV001750170.5), dbSNP rs769094377, ClinGen allele CA043252.
Genomic context (GRCh38, chr5:112,841,461, plus strand): 5'-CATCCAAAGACATACCAGACAGAGGGGCAGCAACTGATGAAAAGTTACAGAATTTTGCTA[T>C]TGAAAATACTCCGGTTTGCTTTTCTCATAATTCCTCTCTGAGTTCTCTCAGTGACATTGA-3'
Protein context (NP_000029.2, residues 1946-1966): ATDEKLQNFA[Ile1956Thr]ENTPVCFSHN

ClinVar aggregate classification (germline): Uncertain significance. Review status: criteria provided, multiple submitters, no conflicts (2 of 4 stars). 2 submissions from 2 submitters: Uncertain significance (2). Last evaluated 2024-10-29.

Conditions:
Hereditary cancer-predisposing syndrome. Also called: Hereditary Cancer Syndrome; Hereditary neoplastic syndrome; Neoplastic Syndromes, Hereditary; Tumor predisposition. Identifiers: Orphanet 140162, MedGen C0027672, MeSH D009386, MONDO:0015356.
Familial adenomatous polyposis 1 (FAP1). Also called: FAMILIAL ADENOMATOUS POLYPOSIS 1, ATTENUATED; POLYPOSIS, ADENOMATOUS INTESTINAL. Identifiers: MedGen C2713442, MONDO:0021056, OMIM 175100. Disease mechanism: loss of function.

Allele frequency attached by ClinVar (database versions not stated): gnomAD exomes below 0.00001; ExAC 0.00001.
gnomAD v4.1: 3 of 1,613,858 alleles (0.00019%); highest among the groups gnomAD compares: South Asian, 0.0011%; no homozygotes.

Submissions (2):

Labcorp Genetics (formerly Invitae), Labcorp
Classification: Uncertain significance for Familial adenomatous polyposis 1. Last evaluated: 2024-10-29. Review status: criteria provided, single submitter. Criteria: Invitae Variant Classification Sherloc (09022015). Collection method: clinical testing. Allele origin: germline.
Comment: This sequence change replaces isoleucine, which is neutral and non-polar, with threonine, which is neutral and polar, at codon 1956 of the APC protein (p.Ile1956Thr). This variant is present in population databases (rs769094377, gnomAD 0.003%). This variant has not been reported in the literature in individuals affected with APC-related conditions. ClinVar contains an entry for this variant (Variation ID: 1750170). Invitae Evidence Modeling of protein sequence and biophysical properties (such as structural, functional, and spatial information, amino acid conservation, physicochemical variation, residue mobility, and thermodynamic stability) indicates that this missense variant is not expected to disrupt APC protein function with a negative predictive value of 95%. In summary, the available evidence is currently insufficient to determine the role of this variant in disease. Therefore, it has been classified as a Variant of Uncertain Significance.

Ambry Genetics
Classification: Uncertain significance for Hereditary cancer-predisposing syndrome. Last evaluated: 2022-08-03. Review status: criteria provided, single submitter. Criteria: Ambry Variant Classification Scheme 2023. Collection method: clinical testing. Allele origin: germline.
Comment: The p.I1956T variant (also known as c.5867T>C), located in coding exon 15 of the APC gene, results from a T to C substitution at nucleotide position 5867. The isoleucine at codon 1956 is replaced by threonine, an amino acid with similar properties. This amino acid position is conserved. In addition, in silico predictors for this gene do not accurately predict pathogenicity. Since supporting evidence is limited at this time, the clinical significance of this alteration remains unclear.